The following is an entry in ClinVar:

NM_004655.4(AXIN2):c.2003G>C (p.Gly668Ala)

Gene: AXIN2 (axin 2; minus strand). Cytogenetic location: 17q24.1.
Variant type: single nucleotide variant.
Coding change: c.2003G>C on transcript NM_004655.4 (MANE Select); coding-DNA position 2003, G replaced by C.
Protein change: p.Gly668Ala; replaces glycine 668 with alanine.
Molecular consequence: missense variant.
Genome position (GRCh38, 1-based): chr17:65,536,458, C>G on the plus strand (G>C on the coding strand, the complement: AXIN2 is on the minus strand). VCF-style: chr17-65536458-C-G. GRCh37 (hg19) VCF-style: chr17-63532576-C-G.
Other names: c.1808G>C, p.Gly603Ala (NM_001363813.1); short protein forms G603A, G668A.
Identifiers: ClinVar variation 2813318 (VCV002813318.4), dbSNP rs1598096936, ClinGen allele CA400676171.

ClinVar aggregate classification (germline): Uncertain significance. Review status: criteria provided, multiple submitters, no conflicts (2 of 4 stars). 2 submissions from 2 submitters: Uncertain significance (2). Last evaluated 2024-11-14.

Conditions:
Hereditary cancer-predisposing syndrome. Also called: Tumor predisposition; Hereditary Cancer Syndrome; Hereditary neoplastic syndrome; Neoplastic Syndromes, Hereditary. Identifiers: Orphanet 140162, MedGen C0027672, MeSH D009386, MONDO:0015356.
Oligodontia-cancer predisposition syndrome. Also called: TOOTH AGENESIS-COLORECTAL CANCER SYNDROME. Identifiers: Orphanet 300576, MedGen C1837750, MONDO:0012075, OMIM 608615. Disease mechanism: loss of function.

Submissions (2):

Ambry Genetics
Classification: Uncertain significance for Hereditary cancer-predisposing syndrome. Last evaluated: 2024-11-14. Review status: criteria provided, single submitter. Criteria: Ambry Variant Classification Scheme 2023. Collection method: clinical testing. Allele origin: germline.
Comment: The p.G668A variant (also known as c.2003G>C), located in coding exon 7 of the AXIN2 gene, results from a G to C substitution at nucleotide position 2003. The glycine at codon 668 is replaced by alanine, an amino acid with similar properties. This amino acid position is conserved. In addition, this alteration is predicted to be tolerated by in silico analysis. Based on the available evidence, the clinical significance of this variant remains unclear.

Labcorp Genetics (formerly Invitae), Labcorp
Classification: Uncertain significance for Oligodontia-cancer predisposition syndrome. Last evaluated: 2022-11-10. Review status: criteria provided, single submitter. Criteria: Invitae Variant Classification Sherloc (09022015). Collection method: clinical testing. Allele origin: germline.
Comment: This variant has not been reported in the literature in individuals affected with AXIN2-related conditions. This sequence change replaces glycine, which is neutral and non-polar, with alanine, which is neutral and non-polar, at codon 668 of the AXIN2 protein (p.Gly668Ala). This variant is not present in population databases (gnomAD no frequency). Advanced modeling of protein sequence and biophysical properties (such as structural, functional, and spatial information, amino acid conservation, physicochemical variation, residue mobility, and thermodynamic stability) performed at Invitae indicates that this missense variant is not expected to disrupt AXIN2 protein function. In summary, the available evidence is currently insufficient to determine the role of this variant in disease. Therefore, it has been classified as a Variant of Uncertain Significance.